The following is an entry in ClinVar:

ClinVar aggregate classification (germline): Uncertain significance. Review status: criteria provided, multiple submitters, no conflicts (2 of 4 stars). 2 submissions from 2 submitters: Uncertain significance (2). Last evaluated 2022-08-20.

Conditions:
Inborn genetic diseases. Identifiers: MedGen C0950123, MeSH D030342.

Allele frequency attached by ClinVar (database versions not stated): gnomAD exomes 0.00004 and 0.00006; TOPMed 0.00006; gnomAD 0.00007 and 0.00008; ExAC 0.00014.
gnomAD v4.1: 87 of 1,597,636 alleles (0.0054%); highest among the groups gnomAD compares: Admixed American, 0.018%; no homozygotes.

Submissions (2):

Labcorp Genetics (formerly Invitae), Labcorp
Classification: Uncertain significance. Last evaluated: 2022-08-20. Review status: criteria provided, single submitter. Criteria: Invitae Variant Classification Sherloc (09022015). Collection method: clinical testing. Allele origin: germline.
Comment: This sequence change replaces proline, which is neutral and non-polar, with leucine, which is neutral and non-polar, at codon 1522 of the LAMC3 protein (p.Pro1522Leu). This variant is present in population databases (rs749575160, gnomAD 0.02%). This variant has not been reported in the literature in individuals affected with LAMC3-related conditions. ClinVar contains an entry for this variant (Variation ID: 1430529). Algorithms developed to predict the effect of missense changes on protein structure and function are either unavailable or do not agree on the potential impact of this missense change (SIFT: "Tolerated"; PolyPhen-2: "Possibly Damaging"; Align-GVGD: "Class C0"). In summary, the available evidence is currently insufficient to determine the role of this variant in disease. Therefore, it has been classified as a Variant of Uncertain Significance.

Ambry Genetics
Classification: Uncertain significance for Inborn genetic diseases. Last evaluated: 2021-09-27. Review status: criteria provided, single submitter. Criteria: Ambry Variant Classification Scheme 2023. Collection method: clinical testing. Allele origin: germline.

NM_006059.4(LAMC3):c.4565C>T (p.Pro1522Leu)

Gene: LAMC3 (laminin subunit gamma 3; plus strand). Cytogenetic location: 9q34.12.
Variant type: single nucleotide variant.
Coding change: c.4565C>T on transcript NM_006059.4 (MANE Select); coding-DNA position 4565, C replaced by T.
Protein change: p.Pro1522Leu; replaces proline 1522 with leucine.
Molecular consequence: missense variant.
Genome position (GRCh38, 1-based): chr9:131,091,624, C>T. VCF-style: chr9-131091624-C-T. GRCh37 (hg19) VCF-style: chr9-133967011-C-T.
Other names: c.4565C>T (NM_006059.3); short protein forms P1522L.
Identifiers: ClinVar variation 1430529 (VCV001430529.4), dbSNP rs749575160, ClinGen allele CA5288220.